The following is an entry in ClinVar:

ClinVar aggregate classification (germline): Pathogenic (1 of 4 stars; one submission).

Conditions:
Kufor-Rakeb syndrome (KRS). Also called: PARKINSON DISEASE 9, AUTOSOMAL RECESSIVE, JUVENILE-ONSET. Identifiers: Orphanet 306674, Orphanet 314632, MedGen C1847640, MONDO:0011706, OMIM 606693.

Submission:

3billion
Classification: Pathogenic for Kufor-Rakeb syndrome. Review status: criteria provided, single submitter. Criteria: ACMG Guidelines, 2015. Collection method: clinical testing. Allele origin: unknown. Affected: yes. Observed: 1 homozygote.
Comment: The variant is not observed in the gnomAD v2.1.1 dataset. The variant is predicted to result in a loss or disruption of normal protein function through nonsense-mediated decay (NMD) or protein truncation. Multiple pathogenic variants are reported downstream of the variant. Therefore, this variant is classified as Pathogenic according to the recommendation of ACMG/AMP guideline.

NM_022089.4(ATP13A2):c.2540_2550del (p.Gln847fs)

Gene: ATP13A2 (ATPase cation transporting 13A2; minus strand). Cytogenetic location: 1p36.13.
Variant type: Deletion.
Coding change: c.2540_2550del on transcript NM_022089.4 (MANE Select); coding-DNA positions 2540 to 2550, 11 bases deleted (AGGGCACTGTC).
Protein change: p.Gln847fs; shifts the reading frame from glutamine 847.
Molecular consequence: frameshift variant.
Genome position (GRCh38, 1-based): chr1:16,989,750-16,989,760, GACAGTGCCCT deleted on the plus strand (AGGGCACTGTC on the coding strand, the reverse complement: ATP13A2 is on the minus strand); deleting any 11 consecutive bases within chr1:16,989,750-16,989,761 gives the same sequence; the c. name uses the placement nearest the transcript's 3' end. VCF-style (leftmost placement, unchanged base first): chr1-16989749-AGACAGTGCCCT-A. GRCh37 (hg19) VCF-style: chr1-17316244-AGACAGTGCCCT-A.
Other names: c.2525_2535del, p.Gln842fs (NM_001141973.3); c.2408_2418del, p.Gln803fs (NM_001141974.3); short protein forms Q803fs, Q842fs, Q847fs.
Identifiers: ClinVar variation 2572413 (VCV002572413.1), dbSNP rs2523055286, ClinGen allele CA2580612552.